The following is an entry in ClinVar:

ClinVar aggregate classification (germline): Conflicting classifications of pathogenicity. Review status: criteria provided, conflicting classifications (1 of 4 stars). 2 submissions from 2 submitters: Uncertain significance (1); Likely benign (1). Last evaluated 2025-12-03.

Allele frequency attached by ClinVar (database versions not stated): gnomAD 0.00001; gnomAD exomes 0.00001 and 0.00004; TOPMed 0.00001; ExAC 0.00002.
gnomAD v4.1: 13 of 1,613,848 alleles (0.00081%); highest among the groups gnomAD compares: East Asian, 0.0067%; no homozygotes.

Submissions (2):

GeneDx
Classification: Uncertain significance. Last evaluated: 2025-12-03. Review status: criteria provided, single submitter. Criteria: GeneDx Variant Classification Process June 2021. Collection method: clinical testing. Allele origin: germline. Affected: yes.
Comment: Has not been previously published as pathogenic or benign to our knowledge; In silico analysis is inconclusive as to whether the variant alters gene splicing. In the absence of RNA/functional studies, the actual effect of this sequence change is unknown.

Labcorp Genetics (formerly Invitae), Labcorp
Classification: Likely benign. Last evaluated: 2025-06-12. Review status: criteria provided, single submitter. Criteria: Invitae Variant Classification Sherloc (09022015). Collection method: clinical testing. Allele origin: germline.

NM_001844.5(COL2A1):c.279C>T (p.Leu93=)

Gene: COL2A1 (collagen type II alpha 1 chain; minus strand). Cytogenetic location: 12q13.11.
Variant type: single nucleotide variant.
Coding change: c.279C>T on transcript NM_001844.5 (MANE Select); coding-DNA position 279, C replaced by T.
Protein change: p.Leu93=; no amino-acid change (leucine 93 retained).
Molecular consequence: synonymous variant. On other transcripts: intron variant (1).
Genome position (GRCh38, 1-based): chr12:47,999,932, G>A on the plus strand (C>T on the coding strand, the complement: COL2A1 is on the minus strand). VCF-style: chr12-47999932-G-A. GRCh37 (hg19) VCF-style: chr12-48393715-G-A.
Other names: c.86-1501C>T (NM_033150.3).
Identifiers: ClinVar variation 748517 (VCV000748517.11), dbSNP rs774746221, ClinGen allele CA6536061.